The following is an entry in ClinVar:

ClinVar aggregate classification (germline): Likely pathogenic. Review status: reviewed by expert panel (3 of 4 stars). 4 submissions from 4 submitters: Likely pathogenic (1). 3 of the submissions do not count toward it. Last evaluated 2021-09-28.

Conditions:
Cardiovascular phenotype. Identifiers: MedGen CN230736.
Hypertrophic cardiomyopathy. Also called: HYPERTROPHIC MYOCARDIOPATHY. Identifiers: Orphanet 217569, MedGen C0007194, MeSH D002312, MONDO:0005045, HP:0001639.

Submissions (4):

ClinGen Cardiomyopathy Variant Curation Expert Panel
Classification: Likely pathogenic for Hypertrophic cardiomyopathy. Last evaluated: 2021-09-28. Review status: reviewed by expert panel. Criteria: ClinGen CMP ACMG Specifications v1. Collection method: curation. Allele origin: germline. Inheritance: Autosomal dominant inheritance.
Comment: The NM_000257.4(MYH7):c.2129C>A (p.Pro710His) variant has been identified in in at least 7 individuals with HCM (PM4_Moderate; Kindel 2012 PMID:22555271; Miller 2013 PMID:23054336; Alfares 2015 PMID:25611685; Homburger 2016 PMID:27247418; Walsh 2017 PMID:27532257; GeneDx pers. comm.; Invitae pers. comm.; LMM pers. comm.; OMGL pers. comm.). This variant was also observed to segregated with HCM in 1 affected relative (LMM pers. comm.); however, this data is currently insufficient to establish co-segregation with disease and apply PP1. This variant was absent from large population studies (PM2; gnomAD v2.1.1). This variant lies in the head region of the protein (aa 181-937) and missense variants in this region are statistically more likely to be associated with HCM (PM1; Walsh 2017 PMID:27532257). Computational prediction tools and conservation analysis suggest that this variant may impact the protein (PP3). In summary, this variant meets criteria to be classified as likely pathogenic for hypertrophic cardiomyopathy in an autosomal dominant manner. MYH7-specific ACMG/AMP criteria applied (Kelly 2018 PMID:29300372): PS4_Moderate, PM2, PM1, PP3

Ambry Genetics
Classification: Likely pathogenic for Cardiovascular phenotype. Last evaluated: 2025-09-08. Review status: criteria provided, single submitter. Criteria: Ambry Variant Classification Scheme 2023. Collection method: clinical testing. Allele origin: germline. Not counted in ClinVar's aggregate classification.
Comment: The p.P710H variant (also known as c.2129C>A), located in coding exon 17 of the MYH7 gene, results from a C to A substitution at nucleotide position 2129. The proline at codon 710 is replaced by histidine, an amino acid with similar properties. This alteration has been reported in several individuals with hypertrophic cardiomyopathy (HCM) (Kindel SJ et al. J Card Fail, 2012 May;18:396-403; Miller EM et al. J Genet Couns, 2013 Apr;22:258-67; Alfares AA et al. Genet Med, 2015 Nov;17:880-8; Homburger JR et al. Proc Natl Acad Sci U S A, 2016 06;113:6701-6; Walsh R et al. Genet Med, 2017 02;19:192-203; Ko C et al. Genet Med, 2018 01;20:69-75). This alteration is located in the myosin head domain, which contains a statistically significant clustering of pathogenic missense variants (Homburger JR et al. Proc Natl Acad Sci U S A, 2016 06;113:6701-6; Walsh R et al. Genet Med, 2017 02;19:192-203; Ambry internal data). This variant is considered to be rare based on population cohorts in the Genome Aggregation Database (gnomAD). This amino acid position is highly conserved in available vertebrate species. In addition, this alteration is predicted to be deleterious by in silico analysis. Based on the majority of available evidence to date, this variant is likely to be pathogenic.

Labcorp Genetics (formerly Invitae), Labcorp
Classification: Pathogenic for Hypertrophic cardiomyopathy. Last evaluated: 2023-12-04. Review status: criteria provided, single submitter. Criteria: Invitae Variant Classification Sherloc (09022015). Collection method: clinical testing. Allele origin: germline. Not counted in ClinVar's aggregate classification.
Comment: This sequence change replaces proline, which is neutral and non-polar, with histidine, which is basic and polar, at codon 710 of the MYH7 protein (p.Pro710His). This variant is not present in population databases (gnomAD no frequency). This missense change has been observed in individuals with hypertrophic cardiomyopathy (PMID: 22555271, 23054336, 25611685, 27247418, 27532257). ClinVar contains an entry for this variant (Variation ID: 177734). Advanced modeling of protein sequence and biophysical properties (such as structural, functional, and spatial information, amino acid conservation, physicochemical variation, residue mobility, and thermodynamic stability) performed at Invitae indicates that this missense variant is expected to disrupt MYH7 protein function with a positive predictive value of 95%. This variant is found within a region of MYH7 between codons 181 and 937 that contains the majority of the myosin head domain. Missense variants in this region have been shown to be significantly overrepresented in individuals with hypertrophic cardiomyopathy (PMID: 27532257). For these reasons, this variant has been classified as Pathogenic.

Laboratory for Molecular Medicine, Mass General Brigham Personalized Medicine
Classification: Uncertain significance. Last evaluated: 2017-04-12. Review status: flagged submission. Collection method: clinical testing. Allele origin: germline. Observed: 2 variant alleles. Not counted in ClinVar's aggregate classification.
Comment: proposed classification - variant undergoing re-assessment, contact laboratory
ClinVar note: Reason: Older and outlier claim with insufficient supporting evidence

Literature cited by the submitters: PubMed 22555271 (cited by 3 submitters); PubMed 23054336 (cited by Ambry Genetics and Labcorp Genetics (formerly Invitae), Labcorp); PubMed 25611685 (cited by Ambry Genetics and Labcorp Genetics (formerly Invitae), Labcorp); PubMed 27247418 (cited by 3 submitters); PubMed 27532257 (cited by Ambry Genetics and Labcorp Genetics (formerly Invitae), Labcorp); PubMed 28640247 (cited by Ambry Genetics); PubMed 30297972 (cited by Ambry Genetics); PubMed 35026164 (cited by Ambry Genetics).

NM_000257.4(MYH7):c.2129C>A (p.Pro710His)

Gene: MYH7 (myosin heavy chain 7; minus strand). Cytogenetic location: 14q11.2.
Variant type: single nucleotide variant.
Coding change: c.2129C>A on transcript NM_000257.4 (MANE Select); coding-DNA position 2129, C replaced by A.
Protein change: p.Pro710His; replaces proline 710 with histidine.
Molecular consequence: missense variant.
Genome position (GRCh38, 1-based): chr14:23,425,997, G>T on the plus strand (C>A on the coding strand, the complement: MYH7 is on the minus strand). VCF-style: chr14-23425997-G-T. GRCh37 (hg19) VCF-style: chr14-23895206-G-T.
Other names: NM_000257.4(MYH7):c.2129C>A; short protein forms P710H.
Identifiers: ClinVar variation 177734 (VCV000177734.18), dbSNP rs727504272, ClinGen allele CA011747.